The following is an entry in ClinVar:

ClinVar aggregate classification (germline): Uncertain significance (1 of 4 stars; one submission).

Conditions:
Melnick-Fraser syndrome (BOR). Also called: Branchio-oto-renal syndrome; Branchiootorenal syndrome; Branchiootorenal Syndrome (BORS). Identifiers: Orphanet 107, MedGen C0265234, MONDO:0007029.

Submission:

Labcorp Genetics (formerly Invitae), Labcorp
Classification: Uncertain significance for Melnick-Fraser syndrome. Last evaluated: 2025-04-23. Review status: criteria provided, single submitter. Criteria: Invitae Variant Classification Sherloc (09022015). Collection method: clinical testing. Allele origin: germline.
Comment: This sequence change replaces isoleucine, which is neutral and non-polar, with arginine, which is basic and polar, at codon 387 of the EYA1 protein (p.Ile387Arg). This variant is not present in population databases (gnomAD no frequency). This variant has not been reported in the literature in individuals affected with EYA1-related conditions. Invitae Evidence Modeling of protein sequence and biophysical properties (such as structural, functional, and spatial information, amino acid conservation, physicochemical variation, residue mobility, and thermodynamic stability) has been performed for this missense variant. However, the output from this modeling did not meet the statistical confidence thresholds required to predict the impact of this variant on EYA1 protein function. In summary, the available evidence is currently insufficient to determine the role of this variant in disease. Therefore, it has been classified as a Variant of Uncertain Significance.

NM_000503.6(EYA1):c.1160T>G (p.Ile387Arg)

Gene: EYA1 (EYA transcriptional coactivator and phosphatase 1; minus strand). Cytogenetic location: 8q13.3.
Variant type: single nucleotide variant.
Coding change: c.1160T>G on transcript NM_000503.6 (MANE Select); coding-DNA position 1160, T replaced by G.
Protein change: p.Ile387Arg; replaces isoleucine 387 with arginine.
Molecular consequence: missense variant.
Genome position (GRCh38, 1-based): chr8:71,217,004, A>C on the plus strand (T>G on the coding strand, the complement: EYA1 is on the minus strand). VCF-style: chr8-71217004-A-C. GRCh37 (hg19) VCF-style: chr8-72129239-A-C.
Other names: c.1142T>G, p.Ile381Arg (NM_001288574.2, NM_172059.5); c.794T>G, p.Ile265Arg (NM_001288575.2); c.1247T>G, p.Ile416Arg (NM_001370333.1); c.1160T>G, p.Ile387Arg (NM_001370334.1, NM_001370335.1, NM_172058.4); c.1139T>G, p.Ile380Arg (NM_001370336.1); c.1061T>G, p.Ile354Arg (NM_001411797.1, NM_172060.4); short protein forms I265R, I380R, I381R, I387R, I416R, I354R.
Identifiers: ClinVar variation 4720639 (VCV004720639.1).
Genomic context (GRCh38, chr8:71,217,004, plus strand): 5'-TTCACATTCAAGGGTGCTCACCTTAGGTCCTGTCCGTTATCATCTGAAGAAACATCATCT[A>C]TATGGACTTGGTCACATTCCTAAAATGCAATTAAAATGATACATGTCAATTTTTTAAGAG-3'
Protein context (NP_000494.2, residues 377-397): NDLEECDQVH[Ile387Arg]DDVSSDDNGQ